The following is an entry in ClinVar:

ClinVar aggregate classification (germline): Uncertain significance (1 of 4 stars; one submission).

gnomAD v4.1: 5 of 1,610,998 alleles (0.00031%); highest among the groups gnomAD compares: Non-Finnish European, 0.00042%; no homozygotes.

Submission:

Labcorp Genetics (formerly Invitae), Labcorp
Classification: Uncertain significance. Last evaluated: 2025-03-01. Review status: criteria provided, single submitter. Criteria: Invitae Variant Classification Sherloc (09022015). Collection method: clinical testing. Allele origin: germline.
Comment: This sequence change replaces aspartic acid, which is acidic and polar, with tyrosine, which is neutral and polar, at codon 330 of the RHBDF2 protein (p.Asp330Tyr). This variant is not present in population databases (gnomAD no frequency). This variant has not been reported in the literature in individuals affected with RHBDF2-related conditions. An algorithm developed to predict the effect of missense changes on protein structure and function (PolyPhen-2) suggests that this variant is likely to be disruptive. Algorithms developed to predict the effect of sequence changes on RNA splicing suggest that this variant may disrupt the consensus splice site. In summary, the available evidence is currently insufficient to determine the role of this variant in disease. Therefore, it has been classified as a Variant of Uncertain Significance.

NM_001005498.4(RHBDF2):c.901G>T (p.Asp301Tyr)

Gene: RHBDF2 (rhomboid 5 homolog 2; minus strand). Cytogenetic location: 17q25.1.
Variant type: single nucleotide variant.
Coding change: c.901G>T on transcript NM_001005498.4 (MANE Select); coding-DNA position 901, G replaced by T.
Protein change: p.Asp301Tyr; replaces aspartic acid 301 with tyrosine.
Molecular consequence: missense variant. On other transcripts: non-coding transcript variant (3).
Genome position (GRCh38, 1-based): chr17:76,477,199, C>A on the plus strand (G>T on the coding strand, the complement: RHBDF2 is on the minus strand). VCF-style: chr17-76477199-C-A. GRCh37 (hg19) VCF-style: chr17-74473281-C-A.
Other names: c.901G>T, p.Asp301Tyr (NM_001376228.1, NM_001376229.1, NM_001376230.1); c.988G>T, p.Asp330Tyr (NM_024599.5); short protein forms D330Y, D301Y.
Identifiers: ClinVar variation 4714139 (VCV004714139.1).
Genomic context (GRCh38, chr17:76,477,199, plus strand): 5'-TGGTGGCTGGCCTGGAGGAGGGACTCTGCCCCAGCACTCACAGAGGGATTTGCACCCCAT[C>A]GGGGGAGACAGGGGAGGCTGAGTGTGGGATCCCTCGGAAGTAGCTGGCAGAGAGTGGGGG-3'
Protein context (NP_001005498.2, residues 291-311): IPHSASPVSP[Asp301Tyr]GVQIPLKEYG